The following is an entry in ClinVar:

ClinVar aggregate classification (germline): Conflicting classifications of pathogenicity. Review status: criteria provided, conflicting classifications (1 of 4 stars). 2 submissions from 2 submitters: Uncertain significance (1); Likely benign (1). Last evaluated 2025-06-04.

Allele frequency attached by ClinVar (database versions not stated): gnomAD exomes 0.00007; ExAC 0.00008; gnomAD 0.00008; TOPMed 0.00008; ESP Exome Variant Server 0.00024.
gnomAD v4.1: 114 of 1,595,406 alleles (0.0071%); highest among the groups gnomAD compares: Non-Finnish European, 0.0088%; no homozygotes.

Submissions (2):

Labcorp Genetics (formerly Invitae), Labcorp
Classification: Likely benign. Last evaluated: 2025-06-04. Review status: criteria provided, single submitter. Criteria: Invitae Variant Classification Sherloc (09022015). Collection method: clinical testing. Allele origin: germline.

CeGaT Center for Human Genetics Tuebingen
Classification: Uncertain significance. Last evaluated: 2024-08-01. Review status: criteria provided, single submitter. Criteria: CeGaT Center For Human Genetics Tuebingen Variant Classification Criteria Version 2. Collection method: clinical testing. Allele origin: germline. Affected: yes. Observed: 1 variant allele.
Comment: CACNA1B: PM2:Supporting

NM_000718.4(CACNA1B):c.7020G>A (p.Ter2340=)

Gene: CACNA1B (calcium voltage-gated channel subunit alpha1 B; plus strand). Cytogenetic location: 9q34.3.
Variant type: single nucleotide variant.
Coding change: c.7020G>A on transcript NM_000718.4 (MANE Select); coding-DNA position 7020, G replaced by A.
Protein change: p.Ter2340=.
Molecular consequence: synonymous variant. On other transcripts: 3 prime UTR variant (1).
Genome position (GRCh38, 1-based): chr9:138,121,999, G>A. VCF-style: chr9-138121999-G-A. GRCh37 (hg19) VCF-style: chr9-141016451-G-A.
Other names: c.*119G>A (NM_001243812.2).
Identifiers: ClinVar variation 2074412 (VCV002074412.20), dbSNP rs200533477, ClinGen allele CA5377866.
Genomic context (GRCh38, chr9:138,121,999, plus strand): 5'-CAGCTCGGGTGGCCGAGCACGGCACAGCTACCACCACCCTGACCAAGACCACTGGTGCTA[G>A]CTGCACCGTGACCGCTCAGACGCCTGCATGCAGCAGGCGTGTGTTCCAGTGGATGAGTTT-3'